The following is an entry in ClinVar:

NM_000169.3(GLA):c.355C>A (p.Gln119Lys)

Genes: GLA (galactosidase alpha; minus strand), RPL36A-HNRNPH2 (RPL36A-HNRNPH2 readthrough; plus strand). Cytogenetic location: Xq22.1.
Variant type: single nucleotide variant.
Coding change: c.355C>A on transcript NM_000169.3 (MANE Select); coding-DNA position 355, C replaced by A.
Protein change: p.Gln119Lys; replaces glutamine 119 with lysine.
Molecular consequence: missense variant. On other transcripts: non-coding transcript variant (3), intron variant (2).
Genome position (GRCh38, 1-based): chrX:101,403,825, G>T on the plus strand (C>A on the coding strand, the complement: GLA is on the minus strand). VCF-style: chrX-101403825-G-T. GRCh37 (hg19) VCF-style: chrX-100658813-G-T.
Other names: c.478C>A, p.Gln160Lys (NM_001406747.1, NM_001406749.1); c.355C>A, p.Gln119Lys (NM_001406748.1); c.301-8111G>T (NM_001199973.2); c.178-8111G>T (NM_001199974.2); short protein forms Q119K, Q160K.
Identifiers: ClinVar variation 4974883 (VCV004974883.1).

ClinVar aggregate classification (germline): Uncertain significance (1 of 4 stars; one submission).

Conditions:
Fabry disease. Also called: Fabry's disease; ALPHA-GALACTOSIDASE A DEFICIENCY; ANDERSON-FABRY DISEASE; CERAMIDE TRIHEXOSIDASE DEFICIENCY; GLA DEFICIENCY; HEREDITARY DYSTOPIC LIPIDOSIS. Identifiers: Orphanet 324, MedGen C0002986, MONDO:0010526, OMIM 301500, HP:0001071. Disease mechanism: Fabry disease is due to inactivating mutations in the X-linked GLA gene resulting in deficiency of the enzyme Alpha Galactosidase-A., loss of function.

Submission:

Genomenon, Inc
Classification: Uncertain significance for Fabry disease. Last evaluated: 2026-09-08. Review status: criteria provided, single submitter. Criteria: Genomenon Sequence Variant Interpretation Standards - Updated. Collection method: curation. Allele origin: germline. Affected: no.
Comment: GLA p.Gln119Lys (c.355C>A) is a missense variant that changes the amino acid at codon 119 from Glutamine to Lysine. This variant has been reported in the published literature (PMID:31613176;39468034). It is absent or not present at a significant frequency in gnomAD. In conclusion, we classify GLA p.Gln119Lys (c.355C>A) as a variant of uncertain significance.

Literature cited by the submitters: PubMed 31613176; PubMed 39468034.